The following is an entry in ClinVar:

ClinVar aggregate classification (germline): Likely pathogenic (0 of 4 stars; one submission).

Conditions:
CRYGC-related disorder. Also called: CRYGC-related condition.

Submission:

PreventionGenetics, part of Exact Sciences
Classification: Likely pathogenic for CRYGC-related condition. Last evaluated: 2024-02-27. Review status: no assertion criteria provided. Collection method: clinical testing. Allele origin: germline.
Comment: The CRYGC c.432C>A variant is predicted to result in premature protein termination (p.Tyr144*). To our knowledge, this variant has not been reported in the literature or in a large population database, indicating this variant is rare. Of note, a different nucleotide change (c.432C>G) leading to the same nonsense variant (p.Tyr144*) has been reported in patients with cataracts (Family C in Sun et al. 2017. PubMed ID: 29386872; Case 2 in Taylan Sekeroglu et al. 2020. PubMed ID: 33510601). Nonsense variants in CRYGC are expected to be pathogenic. The c.432C>A (p.Tyr144*) variant is interpreted as likely pathogenic.

NM_020989.4(CRYGC):c.432C>A (p.Tyr144Ter)

Genes: CRYGC (crystallin gamma C; minus strand), LOC100507443 (uncharacterized LOC100507443; plus strand). Cytogenetic location: 2q33.3.
Variant type: single nucleotide variant.
Coding change: c.432C>A on transcript NM_020989.4 (MANE Select); coding-DNA position 432, C replaced by A.
Protein change: p.Tyr144Ter; replaces tyrosine 144 with a stop codon.
Molecular consequence: nonsense.
Genome position (GRCh38, 1-based): chr2:208,128,296, G>T on the plus strand (C>A on the coding strand, the complement: CRYGC is on the minus strand). VCF-style: chr2-208128296-G-T. GRCh37 (hg19) VCF-style: chr2-208993020-G-T.
Other names: short protein forms Y144*.
Identifiers: ClinVar variation 3061306 (VCV003061306.2), dbSNP rs1559320516, ClinGen allele CA350093874.
Genomic context (GRCh38, chr2:208,128,296, plus strand): 5'-TGCCTTAGCATCCATGGCCCCCCAGTCCTGGCACCGCCTGTACTCTTGGGGCCTCAGCAG[G>T]TATTGCCGCCCCCGGTAGTTGGGCAGCTCGTAGAGGACCCAGCAGCCCTCCAGCACGTGG-3'